The following is an entry in ClinVar:

NM_001018115.3(FANCD2):c.2754A>G (p.Leu918=)

Genes: FANCD2 (FA complementation group D2; plus strand), LOC107303338 (3p25 FANCD2 Alu-mediated recombination region; plus strand). Cytogenetic location: 3p25.3.
Variant type: single nucleotide variant.
Coding change: c.2754A>G on transcript NM_001018115.3 (MANE Select); coding-DNA position 2754, A replaced by G.
Protein change: p.Leu918=; no amino-acid change (leucine 918 retained).
Molecular consequence: synonymous variant.
Genome position (GRCh38, 1-based): chr3:10,074,568, A>G. VCF-style: chr3-10074568-A-G. GRCh37 (hg19) VCF-style: chr3-10116252-A-G.
Other names: c.2754A>G (NM_001018115.2); c.2754A>G, p.Leu918= (NM_001319984.2, NM_001374254.1, NM_033084.6); c.2643A>G, p.Leu881= (NM_001374253.1).
Identifiers: ClinVar variation 1093659 (VCV001093659.36), dbSNP rs149395670, ClinGen allele CA2250183.
Genomic context (GRCh38, chr3:10,074,568, plus strand): 5'-TGTTGCTGTGACTTCCCCATAGGAGTTCACAGGGAAGGAAGAAAAGACATCATTGTTACT[A>G]CATAATTCCCATGCTTTTTTCCGAGAGCTGGACATTGAGGTCTTCTCTATTCTACATTGT-3'
Protein context (NP_001018125.1, residues 908-928): TGKEEKTSLL[Leu918=]HNSHAFFREL

ClinVar aggregate classification (germline): Benign/Likely benign. Review status: criteria provided, multiple submitters, no conflicts (2 of 4 stars). 6 submissions from 6 submitters: Benign (1); Likely benign (4). 1 of the submissions does not count toward it. Last evaluated 2025-12-30.

Conditions:
FANCD2-related disorder. Also called: FANCD2-related condition.
Fanconi anemia (FA). Also called: Fanconi's anemia. Identifiers: Orphanet 84, MedGen C0015625, MeSH D005199, MONDO:0019391.
Fanconi anemia complementation group D2. Also called: FANCD2-Related Fanconi Anemia; FANCONI PANCYTOPENIA, TYPE 4; FANCONI ANEMIA, COMPLEMENTATION GROUP D. Identifiers: Orphanet 84, MedGen C3160738, MONDO:0009214, OMIM 227646.

Allele frequency attached by ClinVar (database versions not stated): gnomAD 0.00013; 1000 Genomes Project 30x 0.00016; 1000 Genomes Project 0.00020; gnomAD exomes 0.00020 and 0.00021; ExAC 0.00021; ESP Exome Variant Server 0.00023; TOPMed 0.00040.
gnomAD v4.1: 312 of 1,613,852 alleles (0.019%); highest among the groups gnomAD compares: Admixed American, 0.085%; no homozygotes.

Submissions (6):

Labcorp Genetics (formerly Invitae), Labcorp
Classification: Benign for Fanconi anemia. Last evaluated: 2025-12-30. Review status: criteria provided, single submitter. Criteria: Invitae Variant Classification Sherloc (09022015). Collection method: clinical testing. Allele origin: germline.

Blueprint Genetics
Classification: Likely benign. Last evaluated: 2024-10-30. Review status: criteria provided, single submitter. Criteria: ACMG Guidelines, 2015. Collection method: clinical testing. Allele origin: germline.

CeGaT Center for Human Genetics Tuebingen
Classification: Likely benign. Last evaluated: 2023-06-01. Review status: criteria provided, single submitter. Criteria: CeGaT Center For Human Genetics Tuebingen Variant Classification Criteria Version 2. Collection method: clinical testing. Allele origin: germline. Affected: yes. Observed: 2 variant alleles.
Comment: FANCD2: BP4, BP7

Fulgent Genetics
Classification: Likely benign for Fanconi anemia complementation group D2. Last evaluated: 2021-11-23. Review status: criteria provided, single submitter. Criteria: ACMG Guidelines, 2015. Collection method: clinical testing. Allele origin: unknown.

Sema4
Classification: Likely benign for Fanconi anemia. Last evaluated: 2020-12-08. Review status: criteria provided, single submitter. Criteria: Sema4 Curation Guidelines. Collection method: curation. Allele origin: germline.

PreventionGenetics, part of Exact Sciences
Classification: Likely benign for FANCD2-related condition. Last evaluated: 2023-05-30. Review status: no assertion criteria provided. Collection method: clinical testing. Allele origin: germline. Not counted in ClinVar's aggregate classification.
Comment: This variant is classified as likely benign based on ACMG/AMP sequence variant interpretation guidelines (Richards et al. 2015 PMID: 25741868, with internal and published modifications).